The following is an entry in ClinVar:

ClinVar aggregate classification (germline): Uncertain significance (1 of 4 stars; one submission).

Conditions:
Melnick-Needles syndrome (MNS). Also called: MELNICK-NEEDLES OSTEODYSPLASTY; OSTEODYSPLASTY OF MELNICK AND NEEDLES; Melnick-Needles Syndrome (FLNA-MNS). Identifiers: Orphanet 2484, MedGen C0025237, MONDO:0010650, OMIM 309350.
Frontometaphyseal dysplasia (FMD1). Identifiers: Orphanet 1826, MedGen C0265293, MONDO:0015942.
Heterotopia, periventricular, X-linked dominant (PVNH1). Also called: PERIVENTRICULAR NODULAR HETEROTOPIA 1; X-linked periventricular heterotopia; PERIVENTRICULAR NODULAR HETEROTOPIA 4; HETEROTOPIA, PERIVENTRICULAR, 1. Identifiers: Orphanet 2149, Orphanet 82004, MedGen C1848213, MONDO:0010233, OMIM 300049.
Oto-palato-digital syndrome, type II (OPD2). Also called: FACIOPALATOOSSEOUS SYNDROME; OPD II SYNDROME; Otopalatodigital Syndrome, Type II; Otopalatodigital Syndrome Type 2 (FLNA-OPD2). Identifiers: Orphanet 669, Orphanet 90652, MedGen C1844696, MONDO:0010571, OMIM 304120.

Submission:

Labcorp Genetics (formerly Invitae), Labcorp
Classification: Uncertain significance for Oto-palato-digital syndrome, type II; Heterotopia, periventricular, X-linked dominant; Frontometaphyseal dysplasia; Melnick-Needles syndrome. Last evaluated: 2024-06-02. Review status: criteria provided, single submitter. Criteria: Invitae Variant Classification Sherloc (09022015). Collection method: clinical testing. Allele origin: germline.
Comment: This sequence change replaces phenylalanine, which is neutral and non-polar, with tyrosine, which is neutral and polar, at codon 1140 of the FLNA protein (p.Phe1140Tyr). Information on the frequency of this variant in the gnomAD database is not available, as this variant may be reported differently in the database. This variant has not been reported in the literature in individuals affected with FLNA-related conditions. An algorithm developed to predict the effect of missense changes on protein structure and function (PolyPhen-2) suggests that this variant is likely to be disruptive. In summary, the available evidence is currently insufficient to determine the role of this variant in disease. Therefore, it has been classified as a Variant of Uncertain Significance.

NM_001110556.2(FLNA):c.3419_3420delinsAT (p.Phe1140Tyr)

Gene: FLNA (filamin A; minus strand). Cytogenetic location: Xq28.
Variant type: Indel.
Coding change: c.3419_3420delinsAT on transcript NM_001110556.2 (MANE Select); coding-DNA positions 3419 to 3420, TC replaced by AT.
Protein change: p.Phe1140Tyr; replaces phenylalanine 1140 with tyrosine.
Molecular consequence: missense variant.
Genome position (GRCh38, 1-based): chrX:154,360,375-154,360,376, GA replaced by AT on the plus strand (TC replaced by AT on the coding strand, the reverse complement: FLNA is on the minus strand). VCF-style: chrX-154360375-GA-AT. GRCh37 (hg19) VCF-style: chrX-153588743-GA-AT.
Other names: c.3419_3420delinsAT, p.Phe1140Tyr (NM_001456.4); short protein forms F1140Y.
Identifiers: ClinVar variation 3762182 (VCV003762182.2).